The following is an entry in ClinVar:

ClinVar aggregate classification (germline): Uncertain significance (1 of 4 stars; one submission).

Conditions:
Hereditary cancer-predisposing syndrome. Also called: Tumor predisposition; Neoplastic Syndromes, Hereditary; Hereditary Cancer Syndrome; Hereditary neoplastic syndrome. Identifiers: Orphanet 140162, MedGen C0027672, MeSH D009386, MONDO:0015356.

Submission:

Ambry Genetics
Classification: Uncertain significance for Hereditary cancer-predisposing syndrome. Last evaluated: 2025-01-30. Review status: criteria provided, single submitter. Criteria: Ambry Variant Classification Scheme 2023. Collection method: clinical testing. Allele origin: germline.
Comment: The p.Q348* variant (also known as c.1042C>T), located in coding exon 1 of the MET gene, results from a C to T substitution at nucleotide position 1042. This changes the amino acid from a glutamine to a stop codon within coding exon 1. This alteration is expected to result in loss of function by premature protein truncation or nonsense-mediated mRNA decay. However, loss of function of MET has not been clearly established as a mechanism of disease. Since supporting evidence is limited at this time, the clinical significance of this alteration remains unclear.

NM_000245.4(MET):c.1042C>T (p.Gln348Ter)

Gene: MET (MET proto-oncogene, receptor tyrosine kinase; plus strand). Cytogenetic location: 7q31.2.
Variant type: single nucleotide variant.
Coding change: c.1042C>T on transcript NM_000245.4 (MANE Select); coding-DNA position 1042, C replaced by T.
Protein change: p.Gln348Ter; replaces glutamine 348 with a stop codon.
Molecular consequence: nonsense. On other transcripts: intron variant (1).
Genome position (GRCh38, 1-based): chr7:116,700,126, C>T. VCF-style: chr7-116700126-C-T. GRCh37 (hg19) VCF-style: chr7-116340180-C-T.
Other names: c.1042C>T, p.Gln348Ter (NM_001127500.3, NM_001324401.3); c.-91+27549C>T (NM_001324402.2); short protein forms Q348*.
Identifiers: ClinVar variation 3872367 (VCV003872367.1).